The following is an entry in ClinVar:

NM_003504.5(CDC45):c.52-2A>G

Gene: CDC45 (cell division cycle 45; plus strand). Cytogenetic location: 22q11.21.
Variant type: single nucleotide variant.
Coding change: c.52-2A>G on transcript NM_003504.5 (MANE Select); the canonical splice acceptor site of the intron before coding-DNA position 52, A replaced by G.
Molecular consequence: splice acceptor variant.
Genome position (GRCh38, 1-based): chr22:19,480,156, A>G. VCF-style: chr22-19480156-A-G. GRCh37 (hg19) VCF-style: chr22-19467679-A-G.
Other names: c.16-2A>G (NM_001369291.1); c.52-2A>G (NM_001178010.2, NM_001178011.2).
Identifiers: ClinVar variation 2113883 (VCV002113883.4), dbSNP rs2517548883, ClinGen allele CA410679229.

ClinVar aggregate classification (germline): Likely pathogenic (1 of 4 stars; one submission).

Allele frequency attached by ClinVar (database versions not stated): gnomAD exomes below 0.00001.
gnomAD v4.1: 1 of 1,614,020 alleles (0.000062%); highest among the groups gnomAD compares: Non-Finnish European, 0.000085%; no homozygotes.

Submission:

Labcorp Genetics (formerly Invitae), Labcorp
Classification: Likely pathogenic. Last evaluated: 2022-03-18. Review status: criteria provided, single submitter. Criteria: Invitae Variant Classification Sherloc (09022015). Collection method: clinical testing. Allele origin: germline.
Comment: This variant is not present in population databases (gnomAD no frequency). This sequence change affects an acceptor splice site in intron 1 of the CDC45 gene. It is expected to disrupt RNA splicing. Variants that disrupt the donor or acceptor splice site typically lead to a loss of protein function (PMID: 16199547), and loss-of-function variants in CDC45 are known to be pathogenic (PMID: 27374770, 30986546). This variant has not been reported in the literature in individuals affected with CDC45-related conditions. Algorithms developed to predict the effect of sequence changes on RNA splicing suggest that this variant may disrupt the consensus splice site. In summary, the currently available evidence indicates that the variant is pathogenic, but additional data are needed to prove that conclusively. Therefore, this variant has been classified as Likely Pathogenic.

Literature cited by the submitters: PubMed 16199547; PubMed 27374770; PubMed 30986546.